The following is an entry in ClinVar:

ClinVar aggregate classification (germline): Conflicting classifications of pathogenicity. Review status: criteria provided, conflicting classifications (1 of 4 stars). 5 submissions from 4 submitters: Uncertain significance (2); Benign (3). Last evaluated 2026-01-18.

Conditions:
Nephronophthisis. Also called: Juvenile Nephronophthisis. Identifiers: Orphanet 655, MedGen C0687120, MONDO:0019005, HP:0000090.
Senior-Loken syndrome 4 (SLSN4). Identifiers: Orphanet 3156, MedGen C1846979, MONDO:0011756, OMIM 606996.
Nephronophthisis 4 (NPHP4). Also called: NEPHRONOPHTHISIS 4, JUVENILE. Identifiers: Orphanet 655, MedGen C1847013, MONDO:0011752, OMIM 606966.

Allele frequency attached by ClinVar (database versions not stated): gnomAD 0.00064; TOPMed 0.00066; ESP Exome Variant Server 0.00104.
gnomAD v4.1: 935 of 1,613,514 alleles (0.058%); highest among the groups gnomAD compares: Non-Finnish European, 0.012%; 11 homozygotes.

Submissions (5):

Labcorp Genetics (formerly Invitae), Labcorp
Classification: Benign for Nephronophthisis. Last evaluated: 2026-01-18. Review status: criteria provided, single submitter. Criteria: Invitae Variant Classification Sherloc (09022015). Collection method: clinical testing. Allele origin: germline.

Mayo Clinic Laboratories, Mayo Clinic
Classification: Benign. Last evaluated: 2024-10-31. Review status: criteria provided, single submitter. Criteria: ACMG Guidelines, 2015. Collection method: clinical testing. Allele origin: germline. Observed: 3 variant alleles.
Comment: BA1, BP4

Illumina Laboratory Services, Illumina
Classification: Uncertain significance for Senior-Loken syndrome 4. Last evaluated: 2018-01-13. Review status: criteria provided, single submitter. Criteria: ICSL Variant Classification Criteria 13 December 2019. Collection method: clinical testing. Allele origin: germline.

Illumina Laboratory Services, Illumina
Classification: Uncertain significance for Nephronophthisis 4. Last evaluated: 2018-01-13. Review status: criteria provided, single submitter. Criteria: ICSL Variant Classification Criteria 13 December 2019. Collection method: clinical testing. Allele origin: germline.

Eurofins Ntd Llc (ga)
Classification: Benign. Last evaluated: 2017-10-19. Review status: criteria provided, single submitter. Criteria: EGL Classification Definitions 2015. Collection method: clinical testing. Allele origin: germline. Observed: 2 variant alleles, 2 heterozygotes.

NM_015102.5(NPHP4):c.2557G>T (p.Asp853Tyr)

Gene: NPHP4 (nephrocystin 4; minus strand). Cytogenetic location: 1p36.31.
Variant type: single nucleotide variant.
Coding change: c.2557G>T on transcript NM_015102.5 (MANE Select); coding-DNA position 2557, G replaced by T.
Protein change: p.Asp853Tyr; replaces aspartic acid 853 with tyrosine.
Molecular consequence: missense variant. On other transcripts: non-coding transcript variant (1).
Genome position (GRCh38, 1-based): chr1:5,880,168, C>A on the plus strand (G>T on the coding strand, the complement: NPHP4 is on the minus strand). VCF-style: chr1-5880168-C-A. GRCh37 (hg19) VCF-style: chr1-5940228-C-A.
Other names: p.Asp853Tyr; c.1018G>T, p.Asp340Tyr (NM_001291593.2); c.1021G>T, p.Asp341Tyr (NM_001291594.2); short protein forms D853Y, D340Y, D341Y.
Identifiers: ClinVar variation 297804 (VCV000297804.20), dbSNP rs199875059, ClinGen allele CA554063.
Genomic context (GRCh38, chr1:5,880,168, plus strand): 5'-ACTCACGCCTTGAGCTTCCAGTCGTGAGGAGGCTGCCTCCAGAGAAGCGGCTGGCTCCAT[C>A]GTTTGAGATGACCCGAGATCTGGACGGTGGCAATGTGCTACAACCTCTCACTTTCTGTTC-3'
Protein context (NP_055917.1, residues 843-863): PPSRSRVISN[Asp853Tyr]GASRFSGGSL